The following is an entry in ClinVar:

ClinVar aggregate classification (germline): Uncertain significance (1 of 4 stars; one submission).

Conditions:
Syndromic X-linked intellectual disability 94 (MRXSW). Also called: MENTAL RETARDATION, X-LINKED, SYNDROMIC 29; X-linked intellectual disability due to GRIA3 anomalies. Identifiers: Orphanet 364028, MedGen C2678051, MONDO:0010402, OMIM 300699.

Allele frequency attached by ClinVar (database versions not stated): gnomAD exomes below 0.00001.
gnomAD v4.1: 1 of 1,208,462 alleles (0.000083%); highest among the groups gnomAD compares: South Asian, 0.0018%; no homozygotes.

Submission:

Genetics and Molecular Pathology, SA Pathology
Classification: Uncertain significance for Syndromic X-linked intellectual disability 94. Last evaluated: 2022-06-28. Review status: criteria provided, single submitter. Criteria: ACMG Guidelines, 2015. Collection method: clinical testing. Allele origin: germline. Inheritance: X-linked recessive inheritance. Affected: yes.
Comment: The GRIA3 c.949A>G variant is classified as a VARIANT of UNCERTAIN SIGNIFICANCE (PM2) The GRIA3 c.949A>G variant is a single nucleotide change in exon 7/16 of the GRIA3 gene, which is predicted to change the amino acid isoleucine at position 317 in the protein to valine. This variant is absent from population databases (PM2). This variant has not been reported in dbSNP, ClinVar or HGMD.

NM_007325.5(GRIA3):c.949A>G (p.Ile317Val)

Gene: GRIA3 (glutamate ionotropic receptor AMPA type subunit 3; plus strand). Cytogenetic location: Xq25.
Variant type: single nucleotide variant.
Coding change: c.949A>G on transcript NM_007325.5 (MANE Select); coding-DNA position 949, A replaced by G.
Protein change: p.Ile317Val; replaces isoleucine 317 with valine.
Molecular consequence: missense variant.
Genome position (GRCh38, 1-based): chrX:123,398,672, A>G. VCF-style: chrX-123398672-A-G. GRCh37 (hg19) VCF-style: chrX-122532523-A-G.
Other names: c.949A>G, p.Ile317Val (NM_000828.5); short protein forms I317V.
Identifiers: ClinVar variation 1698841 (VCV001698841.2), dbSNP rs2147381088, ClinGen allele CA414258062.